The following is an entry in ClinVar:

NM_001197104.2(KMT2A):c.9841dup (p.Ser3281fs)

Gene: KMT2A (lysine methyltransferase 2A; plus strand). Cytogenetic location: 11q23.3.
Variant type: Duplication.
Coding change: c.9841dup on transcript NM_001197104.2 (MANE Select); coding-DNA position 9841, one base duplicated (T; older notation c.9841dupT).
Protein change: p.Ser3281fs; shifts the reading frame from serine 3281.
Molecular consequence: frameshift variant.
Genome position (GRCh38, 1-based): chr11:118,505,733, T duplicated. VCF-style (leftmost placement, unchanged base first): chr11-118505732-A-AT. GRCh37 (hg19) VCF-style: chr11-118376447-A-AT.
Other names: c.9931dup, p.Ser3311fs (NM_001412597.1); c.9832dup, p.Ser3278fs (NM_005933.4); short protein forms S3278fs, S3281fs, S3311fs.
Identifiers: ClinVar variation 4056556 (VCV004056556.1).

ClinVar aggregate classification (germline): Likely pathogenic (1 of 4 stars; one submission).

Conditions:
Wiedemann-Steiner syndrome (WDSTS). Also called: Growth deficiency and mental retardation with facial dysmorphism. Identifiers: Orphanet 319182, MedGen C1854630, MONDO:0011518, OMIM 605130.

Submission:

Laboratorio de Genetica e Diagnostico Molecular, Hospital Israelita Albert Einstein
Classification: Likely pathogenic for Wiedemann-Steiner syndrome. Last evaluated: 2024-05-07. Review status: criteria provided, single submitter. Criteria: ACMG Guidelines, 2015. Collection method: clinical testing. Allele origin: germline. Affected: yes.
Comment: ACMG classification criteria: PVS1 very strong, PM2 supporting